The following is an entry in ClinVar:

ClinVar aggregate classification (germline): Uncertain significance (1 of 4 stars; one submission).

gnomAD v4.1: 2 of 1,543,314 alleles (0.00013%); highest among the groups gnomAD compares: Admixed American, 0.0021%; no homozygotes.

Submission:

Labcorp Genetics (formerly Invitae), Labcorp
Classification: Uncertain significance. Last evaluated: 2026-01-13. Review status: criteria provided, single submitter. Criteria: Invitae Variant Classification Sherloc (09022015). Collection method: clinical testing. Allele origin: germline.
Comment: This sequence change replaces proline, which is neutral and non-polar, with serine, which is neutral and polar, at codon 374 of the KLF10 protein (p.Pro374Ser). This variant is present in population databases (rs777865511, gnomAD 0.01%). This variant has not been reported in the literature in individuals affected with KLF10-related conditions. An algorithm developed to predict the effect of missense changes on protein structure and function (PolyPhen-2) suggests that this variant is likely to be disruptive. In summary, the available evidence is currently insufficient to determine the role of this variant in disease. Therefore, it has been classified as a Variant of Uncertain Significance.

NM_005655.4(KLF10):c.1120C>T (p.Pro374Ser)

Gene: KLF10 (KLF transcription factor 10; minus strand). Cytogenetic location: 8q22.3.
Variant type: single nucleotide variant.
Coding change: c.1120C>T on transcript NM_005655.4 (MANE Select); coding-DNA position 1120, C replaced by T.
Protein change: p.Pro374Ser; replaces proline 374 with serine.
Molecular consequence: missense variant. On other transcripts: non-coding transcript variant (1).
Genome position (GRCh38, 1-based): chr8:102,651,212, G>A on the plus strand (C>T on the coding strand, the complement: KLF10 is on the minus strand). VCF-style: chr8-102651212-G-A. GRCh37 (hg19) VCF-style: chr8-103663440-G-A.
Other names: c.1087C>T, p.Pro363Ser (NM_001032282.4); short protein forms P374S, P363S.
Identifiers: ClinVar variation 4707769 (VCV004707769.1).